The following is an entry in ClinVar:

ClinVar aggregate classification (germline): Pathogenic (1 of 4 stars; one submission).

Allele frequency attached by ClinVar (database versions not stated): gnomAD exomes below 0.00001.
gnomAD v4.1: 1 of 1,613,746 alleles (0.000062%); highest among the groups gnomAD compares: Admixed American, 0.0017%; no homozygotes.

Submission:

CeGaT Center for Human Genetics Tuebingen
Classification: Pathogenic. Last evaluated: 2023-09-01. Review status: criteria provided, single submitter. Criteria: CeGaT Center For Human Genetics Tuebingen Variant Classification Criteria Version 2. Collection method: clinical testing. Allele origin: germline. Affected: yes. Observed: 2 variant alleles.
Comment: OTOA: PVS1, PM2

NM_144672.4(OTOA):c.400-2A>G

Gene: OTOA (otoancorin). Cytogenetic location: 16p12.2.
Variant type: single nucleotide variant.
Coding change: c.400-2A>G on transcript NM_144672.4 (MANE Select); the canonical splice acceptor site of the intron before coding-DNA position 400, A replaced by G.
Molecular consequence: splice acceptor variant.
Genome position (GRCh38, 1-based): chr16:21,687,411, A>G. VCF-style: chr16-21687411-A-G. GRCh37 (hg19) VCF-style: chr16-21698732-A-G.
Other names: c.163-2A>G (NM_001161683.2).
Identifiers: ClinVar variation 2582944 (VCV002582944.25), dbSNP rs1480693766, ClinGen allele CA395054748.